The following is an entry in ClinVar:

ClinVar aggregate classification (germline): Uncertain significance. Review status: criteria provided, multiple submitters, no conflicts (2 of 4 stars). 2 submissions from 2 submitters: Uncertain significance (2). Last evaluated 2024-07-11.

Conditions:
Fanconi anemia complementation group J. Also called: BRIP1-Related Fanconi Anemia. Identifiers: Orphanet 84, MedGen C1836860, MONDO:0012187, OMIM 609054.
Familial cancer of breast. Also called: BREAST CANCER, FAMILIAL; Hereditary breast cancer; hereditary breast carcinoma. Identifiers: Orphanet 227535, MedGen C0346153, MONDO:0016419, OMIM 114480. Disease mechanism: loss of function.
Hereditary cancer-predisposing syndrome. Also called: Hereditary neoplastic syndrome; Neoplastic Syndromes, Hereditary; Tumor predisposition; Hereditary Cancer Syndrome. Identifiers: Orphanet 140162, MedGen C0027672, MeSH D009386, MONDO:0015356.

Submissions (2):

Labcorp Genetics (formerly Invitae), Labcorp
Classification: Uncertain significance for Familial cancer of breast; Fanconi anemia complementation group J. Last evaluated: 2024-07-11. Review status: criteria provided, single submitter. Criteria: Invitae Variant Classification Sherloc (09022015). Collection method: clinical testing. Allele origin: germline.
Comment: This sequence change replaces lysine, which is basic and polar, with asparagine, which is neutral and polar, at codon 862 of the BRIP1 protein (p.Lys862Asn). This variant is not present in population databases (gnomAD no frequency). This variant has not been reported in the literature in individuals affected with BRIP1-related conditions. ClinVar contains an entry for this variant (Variation ID: 483155). Advanced modeling of protein sequence and biophysical properties (such as structural, functional, and spatial information, amino acid conservation, physicochemical variation, residue mobility, and thermodynamic stability) performed at Invitae indicates that this missense variant is expected to disrupt BRIP1 protein function with a positive predictive value of 80%. In summary, the available evidence is currently insufficient to determine the role of this variant in disease. Therefore, it has been classified as a Variant of Uncertain Significance.

Ambry Genetics
Classification: Uncertain significance for Hereditary cancer-predisposing syndrome. Last evaluated: 2016-05-23. Review status: criteria provided, single submitter. Criteria: Ambry Variant Classification Scheme 2023. Collection method: clinical testing. Allele origin: germline.
Comment: The p.K862N variant (also known as c.2586A>T), located in coding exon 18 of the BRIP1 gene, results from an A to T substitution at nucleotide position 2586. The lysine at codon 862 is replaced by asparagine, an amino acid with similar properties. This variant was not reported in population based cohorts in the following databases: Database of Single Nucleotide Polymorphisms (dbSNP), NHLBI Exome Sequencing Project (ESP), and 1000 Genomes Project. In the ESP, this variant was not observed in 6491 samples (12982 alleles) with coverage at this position. To date, this alteration has been detected with an allele frequency of approximately 0.001% (greater than 175000 alleles tested) in our clinical cohort. This amino acid position is highly conserved in available vertebrate species. In addition, the in silico prediction for this alteration is inconclusive. Since supporting evidence is limited at this time, the clinical significance of this alteration remains unclear.

NM_032043.3(BRIP1):c.2586A>T (p.Lys862Asn)

Gene: BRIP1 (BRCA1 interacting DNA helicase 1; minus strand). Cytogenetic location: 17q23.2.
Variant type: single nucleotide variant.
Coding change: c.2586A>T on transcript NM_032043.3 (MANE Select); coding-DNA position 2586, A replaced by T.
Protein change: p.Lys862Asn; replaces lysine 862 with asparagine.
Molecular consequence: missense variant.
Genome position (GRCh38, 1-based): chr17:61,686,155, T>A on the plus strand (A>T on the coding strand, the complement: BRIP1 is on the minus strand). VCF-style: chr17-61686155-T-A. GRCh37 (hg19) VCF-style: chr17-59763516-T-A.
Other names: short protein forms K862N.
Identifiers: ClinVar variation 483155 (VCV000483155.8), dbSNP rs745318756, ClinGen allele CA400481997.